The following is an entry in ClinVar:

NM_012233.3(RAB3GAP1):c.2333G>A (p.Arg778Gln)

Gene: RAB3GAP1 (RAB3 GTPase activating protein catalytic subunit 1; plus strand). Cytogenetic location: 2q21.3.
Variant type: single nucleotide variant.
Coding change: c.2333G>A on transcript NM_012233.3 (MANE Select); coding-DNA position 2333, G replaced by A.
Protein change: p.Arg778Gln; replaces arginine 778 with glutamine.
Molecular consequence: missense variant.
Genome position (GRCh38, 1-based): chr2:135,162,598, G>A. VCF-style: chr2-135162598-G-A. GRCh37 (hg19) VCF-style: chr2-135920168-G-A.
Other names: c.2333G>A, p.Arg778Gln (NM_001172435.2); short protein forms R778Q.
Identifiers: ClinVar variation 376815 (VCV000376815.9), dbSNP rs146072589, ClinGen allele CA1885047.
Genomic context (GRCh38, chr2:135,162,598, plus strand): 5'-CGCTGCACCTCCTTCAGGTGCTGCACTATCTGGCAATCCAGAAACCTGCAGACCTTGCTC[G>A]GCACCTGTTACCTTGTGTGATTCATGCAGCTGTACTCAAGGTAAAGGAAGAAGGTAAATG-3'
Protein context (NP_036365.1, residues 768-788): LAIQKPADLA[Arg778Gln]HLLPCVIHAA

ClinVar aggregate classification (germline): Uncertain significance. Review status: criteria provided, multiple submitters, no conflicts (2 of 4 stars). 4 submissions from 4 submitters: Uncertain significance (4). Last evaluated 2022-08-02.

Conditions:
Warburg micro syndrome 1 (WARBM1). Identifiers: Orphanet 2510, MedGen C1838625, MONDO:0010822, OMIM 600118.

Allele frequency attached by ClinVar (database versions not stated): gnomAD 0.00007; ESP Exome Variant Server 0.00015; 1000 Genomes Project 30x 0.00016; gnomAD exomes 0.00016; 1000 Genomes Project 0.00020; ExAC 0.00028.
gnomAD v4.1: 120 of 1,614,074 alleles (0.0074%); highest among the groups gnomAD compares: Non-Finnish European, 0.009%; 1 homozygote.

Submissions (4):

Labcorp Genetics (formerly Invitae), Labcorp
Classification: Uncertain significance. Last evaluated: 2022-08-02. Review status: criteria provided, single submitter. Criteria: Invitae Variant Classification Sherloc (09022015). Collection method: clinical testing. Allele origin: germline.
Comment: This sequence change replaces arginine, which is basic and polar, with glutamine, which is neutral and polar, at codon 778 of the RAB3GAP1 protein (p.Arg778Gln). This variant is present in population databases (rs146072589, gnomAD 0.03%), including at least one homozygous and/or hemizygous individual. This variant has not been reported in the literature in individuals affected with RAB3GAP1-related conditions. ClinVar contains an entry for this variant (Variation ID: 376815). Algorithms developed to predict the effect of missense changes on protein structure and function are either unavailable or do not agree on the potential impact of this missense change (SIFT: "Tolerated"; PolyPhen-2: "Possibly Damaging"; Align-GVGD: "Class C0"). In summary, the available evidence is currently insufficient to determine the role of this variant in disease. Therefore, it has been classified as a Variant of Uncertain Significance.

Blueprint Genetics
Classification: Uncertain significance. Last evaluated: 2021-04-21. Review status: criteria provided, single submitter. Criteria: ACMG Guidelines, 2015. Collection method: clinical testing. Allele origin: germline.

Illumina Laboratory Services, Illumina
Classification: Uncertain significance for Warburg micro syndrome 1. Last evaluated: 2018-01-13. Review status: criteria provided, single submitter. Criteria: ICSL Variant Classification Criteria 13 December 2019. Collection method: clinical testing. Allele origin: germline.

Center for Pediatric Genomic Medicine, Children's Mercy Hospital and Clinics
Classification: Uncertain significance. Last evaluated: 2016-09-28. Review status: criteria provided, single submitter. Criteria: ACMG Guidelines, 2015. Collection method: clinical testing. Allele origin: germline.
ClinVar note: Converted during submission from Uncertain Significance to Uncertain significance.